The following is an entry in ClinVar:

NM_145239.3(PRRT2):c.677A>T (p.Asp226Val)

Genes: MVP-DT (MVP divergent transcript; minus strand), PRRT2 (proline rich transmembrane protein 2; plus strand). Cytogenetic location: 16p11.2.
Variant type: single nucleotide variant.
Coding change: c.677A>T on transcript NM_145239.3 (MANE Select); coding-DNA position 677, A replaced by T.
Protein change: p.Asp226Val; replaces aspartic acid 226 with valine.
Molecular consequence: missense variant.
Genome position (GRCh38, 1-based): chr16:29,813,731, A>T. VCF-style: chr16-29813731-A-T. GRCh37 (hg19) VCF-style: chr16-29825052-A-T.
Other names: c.677A>T, p.Asp226Val (NM_001256442.2, NM_001256443.2); short protein forms D226V.
Identifiers: ClinVar variation 3637379 (VCV003637379.2).

ClinVar aggregate classification (germline): Uncertain significance (1 of 4 stars; one submission).

Conditions:
Episodic kinesigenic dyskinesia (EKD). Also called: Paroxysmal kinesigenic dyskinesia. Identifiers: Orphanet 98809, MedGen C1868682, MONDO:0044202.

Submission:

Labcorp Genetics (formerly Invitae), Labcorp
Classification: Uncertain significance for Episodic kinesigenic dyskinesia. Last evaluated: 2024-04-16. Review status: criteria provided, single submitter. Criteria: Invitae Variant Classification Sherloc (09022015). Collection method: clinical testing. Allele origin: germline.
Comment: This sequence change replaces aspartic acid, which is acidic and polar, with valine, which is neutral and non-polar, at codon 226 of the PRRT2 protein (p.Asp226Val). This variant is not present in population databases (gnomAD no frequency). This variant has not been reported in the literature in individuals affected with PRRT2-related conditions. Advanced modeling of protein sequence and biophysical properties (such as structural, functional, and spatial information, amino acid conservation, physicochemical variation, residue mobility, and thermodynamic stability) performed at Invitae indicates that this missense variant is not expected to disrupt PRRT2 protein function with a negative predictive value of 95%. In summary, the available evidence is currently insufficient to determine the role of this variant in disease. Therefore, it has been classified as a Variant of Uncertain Significance.